The following is an entry in ClinVar:

ClinVar aggregate classification (germline): Uncertain significance. Review status: criteria provided, multiple submitters, no conflicts (2 of 4 stars). 2 submissions from 2 submitters: Uncertain significance (2). Last evaluated 2025-12-06.

Conditions:
Cardiovascular phenotype. Identifiers: MedGen CN230736.

Allele frequency attached by ClinVar (database versions not stated): gnomAD 0.00001; gnomAD exomes 0.00001; TOPMed 0.00002.
gnomAD v4.1: 12 of 1,612,038 alleles (0.00074%); highest among the groups gnomAD compares: African/African-American, 0.0013%; no homozygotes.

Submissions (2):

Labcorp Genetics (formerly Invitae), Labcorp
Classification: Uncertain significance. Last evaluated: 2025-12-06. Review status: criteria provided, single submitter. Criteria: Invitae Variant Classification Sherloc (09022015). Collection method: clinical testing. Allele origin: germline.
Comment: This sequence change replaces methionine, which is neutral and non-polar, with lysine, which is basic and polar, at codon 502 of the ALPK3 protein (p.Met502Lys). This variant is present in population databases (no rsID available, gnomAD 0.004%). This variant has not been reported in the literature in individuals affected with ALPK3-related conditions. ClinVar contains an entry for this variant (Variation ID: 1440351). Invitae Evidence Modeling of protein sequence and biophysical properties (such as structural, functional, and spatial information, amino acid conservation, physicochemical variation, residue mobility, and thermodynamic stability) indicates that this missense variant is expected to disrupt ALPK3 protein function with a positive predictive value of 80%. In summary, the available evidence is currently insufficient to determine the role of this variant in disease. Therefore, it has been classified as a Variant of Uncertain Significance.

Ambry Genetics
Classification: Uncertain significance for Cardiovascular phenotype. Last evaluated: 2024-08-28. Review status: criteria provided, single submitter. Criteria: Ambry Variant Classification Scheme 2023. Collection method: clinical testing. Allele origin: germline.

NM_020778.5(ALPK3):c.899T>A (p.Met300Lys)

Gene: ALPK3 (alpha kinase 3; plus strand). Cytogenetic location: 15q25.3.
Variant type: single nucleotide variant.
Coding change: c.899T>A on transcript NM_020778.5 (MANE Select); coding-DNA position 899, T replaced by A.
Protein change: p.Met300Lys; replaces methionine 300 with lysine.
Molecular consequence: missense variant.
Genome position (GRCh38, 1-based): chr15:84,840,178, T>A. VCF-style: chr15-84840178-T-A. GRCh37 (hg19) VCF-style: chr15-85383409-T-A.
Other names: c.1505T>A (NM_020778.4); short protein forms M300K.
Identifiers: ClinVar variation 1440351 (VCV001440351.10), dbSNP rs1283338715, ClinGen allele CA393373735.